The following is an entry in ClinVar:

ClinVar aggregate classification (germline): Likely pathogenic. Review status: criteria provided, multiple submitters, no conflicts (2 of 4 stars). 2 submissions from 2 submitters: Likely pathogenic (2). Last evaluated 2022-05-21.

Conditions:
Pierson syndrome. Also called: MICROCORIA-CONGENITAL NEPHROTIC SYNDROME. Identifiers: Orphanet 2670, MedGen C1836876, MONDO:0012184, OMIM 609049.
LAMB2-related infantile-onset nephrotic syndrome. Also called: NEPHROTIC SYNDROME, TYPE 5, WITHOUT OCULAR ABNORMALITIES; NEPHROTIC SYNDROME, TYPE 5, WITH OCULAR ABNORMALITIES; Nephrotic Syndrome, type 5. Identifiers: Orphanet 306507, MedGen C3280113, MONDO:0013621, OMIM 614199.

Submissions (2):

Labcorp Genetics (formerly Invitae), Labcorp
Classification: Likely pathogenic for LAMB2-related infantile-onset nephrotic syndrome; Pierson syndrome. Last evaluated: 2022-05-21. Review status: criteria provided, single submitter. Criteria: Invitae Variant Classification Sherloc (09022015). Collection method: clinical testing. Allele origin: germline.
Comment: This sequence change affects an acceptor splice site in intron 12 of the LAMB2 gene. It is expected to disrupt RNA splicing. Variants that disrupt the donor or acceptor splice site typically lead to a loss of protein function (PMID: 16199547), and loss-of-function variants in LAMB2 are known to be pathogenic (PMID: 15367484). This variant is not present in population databases (gnomAD no frequency). This variant has not been reported in the literature in individuals affected with LAMB2-related conditions. ClinVar contains an entry for this variant (Variation ID: 447697). Algorithms developed to predict the effect of sequence changes on RNA splicing suggest that this variant may disrupt the consensus splice site. In summary, the currently available evidence indicates that the variant is pathogenic, but additional data are needed to prove that conclusively. Therefore, this variant has been classified as Likely Pathogenic.

Athena Diagnostics
Classification: Likely pathogenic. Last evaluated: 2017-02-03. Review status: criteria provided, single submitter. Criteria: Athena Diagnostics Criteria. Collection method: clinical testing. Allele origin: germline.

Literature cited by the submitters: PubMed 16199547 (cited by Labcorp Genetics (formerly Invitae), Labcorp); PubMed 15367484 (cited by Labcorp Genetics (formerly Invitae), Labcorp).

NM_002292.4(LAMB2):c.1599-1G>T

Gene: LAMB2 (laminin subunit beta 2; minus strand). Cytogenetic location: 3p21.31.
Variant type: single nucleotide variant.
Coding change: c.1599-1G>T on transcript NM_002292.4 (MANE Select); the canonical splice acceptor site of the intron before coding-DNA position 1599, G replaced by T.
Molecular consequence: splice acceptor variant.
Genome position (GRCh38, 1-based): chr3:49,129,153, C>A on the plus strand (G>T on the coding strand, the complement: LAMB2 is on the minus strand). VCF-style: chr3-49129153-C-A. GRCh37 (hg19) VCF-style: chr3-49166586-C-A.
Identifiers: ClinVar variation 447697 (VCV000447697.6), dbSNP rs1330915067, ClinGen allele CA352735218.